The following is an entry in ClinVar:

ClinVar aggregate classification (germline): Uncertain significance (1 of 4 stars; one submission).

gnomAD v4.1: 7 of 1,614,060 alleles (0.00043%); highest among the groups gnomAD compares: South Asian, 0.0066%; no homozygotes.

Submission:

Labcorp Genetics (formerly Invitae), Labcorp
Classification: Uncertain significance. Last evaluated: 2024-12-06. Review status: criteria provided, single submitter. Criteria: Invitae Variant Classification Sherloc (09022015). Collection method: clinical testing. Allele origin: germline.
Comment: This sequence change replaces glutamine, which is neutral and polar, with arginine, which is basic and polar, at codon 30 of the RFWD3 protein (p.Gln30Arg). This variant is present in population databases (rs549873711, gnomAD 0.003%). This variant has not been reported in the literature in individuals affected with RFWD3-related conditions. An algorithm developed to predict the effect of missense changes on protein structure and function (PolyPhen-2) suggests that this variant is likely to be disruptive. In summary, the available evidence is currently insufficient to determine the role of this variant in disease. Therefore, it has been classified as a Variant of Uncertain Significance.

NM_018124.4(RFWD3):c.89A>G (p.Gln30Arg)

Gene: RFWD3 (ring finger and WD repeat domain 3; minus strand). Cytogenetic location: 16q23.1.
Variant type: single nucleotide variant.
Coding change: c.89A>G on transcript NM_018124.4 (MANE Select); coding-DNA position 89, A replaced by G.
Protein change: p.Gln30Arg; replaces glutamine 30 with arginine.
Molecular consequence: missense variant. On other transcripts: 5 prime UTR variant (4), intron variant (1).
Genome position (GRCh38, 1-based): chr16:74,661,361, T>C on the plus strand (A>G on the coding strand, the complement: RFWD3 is on the minus strand). VCF-style: chr16-74661361-T-C. GRCh37 (hg19) VCF-style: chr16-74695259-T-C.
Other names: c.89A>G, p.Gln30Arg (NM_001370534.1, NM_001370535.1, NM_001370536.1); c.-920A>G (NM_001370537.1); c.-543A>G (NM_001370539.1); c.-797A>G (NM_001370542.1); c.-675A>G (NM_001370543.1); c.-317+3263A>G (NM_001370540.1); short protein forms Q30R.
Identifiers: ClinVar variation 3701568 (VCV003701568.2).